The following is an entry in ClinVar:

NM_001204.7(BMPR2):c.762T>G (p.His254Gln)

Gene: BMPR2 (bone morphogenetic protein receptor type 2; plus strand). Cytogenetic location: 2q33.2.
Variant type: single nucleotide variant.
Coding change: c.762T>G on transcript NM_001204.7 (MANE Select); coding-DNA position 762, T replaced by G.
Protein change: p.His254Gln; replaces histidine 254 with glutamine.
Molecular consequence: missense variant.
Genome position (GRCh38, 1-based): chr2:202,518,962, T>G. VCF-style: chr2-202518962-T-G. GRCh37 (hg19) VCF-style: chr2-203383685-T-G.
Other names: short protein forms H254Q.
Identifiers: ClinVar variation 4597948 (VCV004597948.1).

ClinVar aggregate classification (germline): Uncertain significance (1 of 4 stars; one submission).

Conditions:
Inborn genetic diseases. Identifiers: MedGen C0950123, MeSH D030342.

gnomAD v4.1: 2 of 1,614,210 alleles (0.00012%); highest among the groups gnomAD compares: Non-Finnish European, 0.00017%; no homozygotes.

Submission:

Ambry Genetics
Classification: Uncertain significance for Inborn genetic diseases. Last evaluated: 2025-11-26. Review status: criteria provided, single submitter. Criteria: Ambry Variant Classification Scheme 2023. Collection method: clinical testing. Allele origin: germline.
Comment: The p.H254Q variant (also known as c.762T>G), located in coding exon 6 of the BMPR2 gene, results from a T to G substitution at nucleotide position 762. The histidine at codon 254 is replaced by glutamine, an amino acid with highly similar properties. This amino acid position is conserved. In addition, this alteration is predicted to be deleterious by in silico analysis. Based on the available evidence, the clinical significance of this variant remains unclear.